The following is an entry in ClinVar:

ClinVar aggregate classification (germline): Uncertain significance. Review status: criteria provided, multiple submitters, no conflicts (2 of 4 stars). 2 submissions from 2 submitters: Uncertain significance (2). Last evaluated 2023-06-14.
ClinVar aggregate classification (oncogenicity): Uncertain significance (0 of 4 stars; one submission).

Conditions:
Gastrointestinal stromal tumor. Also called: Gastrointestinal stromal tumor, somatic; Gastrointestinal stroma tumor. Identifiers: Orphanet 44890, MedGen C0238198, MeSH D046152, MONDO:0011719, OMIM 606764, HP:0100723.

Submissions (3):

Genetics and Molecular Pathology, SA Pathology
Classification: Uncertain significance for Gastrointestinal stromal tumor. Last evaluated: 2023-06-14. Review status: criteria provided, single submitter. Criteria: ACMG Guidelines, 2015. Collection method: clinical testing. Allele origin: germline. Inheritance: Autosomal dominant inheritance. Affected: yes.
Comment: The KIT c.1674G>C variant is classified as VARIANT OF UNCERTAIN SIGNIFICANCE (PM2, PP3, PM1_supporting) The KIT c.1674G>C variant is a single nucleotide change in exon 11/21 of the KIT gene, which is predicted to change the amino acid lysine at position 558 in the protein to asparagine. This variant is absent from population databases (PM2). Computational predictions support a deleterious effect on the gene or gene product (PP3). In silico protein modelling of a similar variant (c.1674G>T; p.Lys558Asn) predicts that the KIT kinase module is constitutively activated when Lys558Asn combines with a secondary somatic KIT mutation (PM1_supporting). In one kindred reported in the literature, only 50% of family members with the detected p.Lys558Asn mutation presented with a phenotype, possibly pointing to its role as a predisposing cofactor (Meir et al, 2021; PMID:34338390). The variant has been reported in dbSNP (rs200375589). It has been reported as having uncertain clinical significance by another diagnostic laboratory (ClinVar Variation ID: 375910) and as a somatic variant (COSMIC: COSV55424409). It has not been reported in the HGMD or LOVD databases.

Labcorp Genetics (formerly Invitae), Labcorp
Classification: Uncertain significance for Gastrointestinal stromal tumor. Last evaluated: 2023-03-14. Review status: criteria provided, single submitter. Criteria: Invitae Variant Classification Sherloc (09022015). Collection method: clinical testing. Allele origin: germline.
Comment: This sequence change replaces lysine, which is basic and polar, with asparagine, which is neutral and polar, at codon 558 of the KIT protein (p.Lys558Asn). This variant is not present in population databases (gnomAD no frequency). This missense change has been observed in individuals with KIT-related conditions (PMID: 34338390; Invitae). ClinVar contains an entry for this variant (Variation ID: 375910). An algorithm developed to predict the effect of missense changes on protein structure and function (PolyPhen-2) suggests that this variant is likely to be disruptive. In summary, the available evidence is currently insufficient to determine the role of this variant in disease. Therefore, it has been classified as a Variant of Uncertain Significance.

National Institute of Cancer Research, National Health Research Institutes
Classification: Uncertain significance for Gastrointestinal stromal tumor. Review status: no assertion criteria provided. Collection method: research. Allele origin: somatic. Observed: 2 variant alleles.
Comment: clinical data

Literature cited by the submitters: PubMed 34338390 (cited by Genetics and Molecular Pathology, SA Pathology and Labcorp Genetics (formerly Invitae), Labcorp).

NM_000222.3(KIT):c.1674G>C (p.Lys558Asn)

Gene: KIT (KIT proto-oncogene, receptor tyrosine kinase; plus strand). Cytogenetic location: 4q12.
Variant type: single nucleotide variant.
Coding change: c.1674G>C on transcript NM_000222.3 (MANE Select); coding-DNA position 1674, G replaced by C.
Protein change: p.Lys558Asn; replaces lysine 558 with asparagine.
Molecular consequence: missense variant.
Genome position (GRCh38, 1-based): chr4:54,727,442, G>C. VCF-style: chr4-54727442-G-C. GRCh37 (hg19) VCF-style: chr4-55593608-G-C.
Other names: c.1662G>C, p.Lys554Asn (NM_001093772.2, NM_001385286.1); c.1677G>C, p.Lys559Asn (NM_001385284.1, NM_001385290.1); c.1674G>C, p.Lys558Asn (NM_001385285.1); c.1665G>C, p.Lys555Asn (NM_001385288.1, NM_001385292.1); short protein forms K558N, K554N, K555N, K559N.
Identifiers: ClinVar variation 375910 (VCV000375910.10), dbSNP rs200375589, ClinGen allele CA16602393.